The following is an entry in ClinVar:

NM_000157.4(GBA1):c.680_681delinsGG (p.Asn227Arg)

Genes: GBA1 (glucosylceramidase beta 1; minus strand), LOC106627981 (GBA recombination region; plus strand). Cytogenetic location: 1q22.
Variant type: Indel.
Coding change: c.680_681delinsGG on transcript NM_000157.4 (MANE Select); coding-DNA positions 680 to 681, AT replaced by GG.
Protein change: p.Asn227Arg; replaces asparagine 227 with arginine.
Molecular consequence: missense variant.
Genome position (GRCh38, 1-based): chr1:155,238,214-155,238,215, AT replaced by CC on the plus strand (AT replaced by GG on the coding strand, the reverse complement: GBA1 is on the minus strand). VCF-style: chr1-155238214-AT-CC. GRCh37 (hg19) VCF-style: chr1-155208005-AT-CC.
Other names: p.Asn227Arg; c.680_681delinsGG (NM_001005741.2); c.680_681delinsGG, p.Asn227Arg (NM_001005741.3, NM_001005742.3); c.419_420delinsGG, p.Asn140Arg (NM_001171811.2); c.533_534delinsGG, p.Asn178Arg (NM_001171812.2); short protein forms N227R, N178R, N140R.
Identifiers: ClinVar variation 167132 (VCV000167132.20), dbSNP rs786200979, ClinGen allele CA234083.

ClinVar aggregate classification (germline): Conflicting classifications of pathogenicity. Review status: criteria provided, conflicting classifications (1 of 4 stars). 4 submissions from 4 submitters: Likely pathogenic (2); Uncertain significance (2). Last evaluated 2026-05-26.

Submissions (4):

Women's Health and Genetics/Laboratory Corporation of America, LabCorp
Classification: Uncertain significance. Last evaluated: 2026-05-26. Review status: criteria provided, single submitter. Criteria: LabCorp Variant Classification Summary - May 2015. Collection method: clinical testing. Allele origin: germline.
Comment: Variant summary: GBA1 c.680_681delinsGG (p.Asn227Arg) results in a non-conservative amino acid change located in the Glycosyl hydrolase family 30, TIM-barrel domain (IPR033453) of the encoded protein sequence. Algorithms developed to predict the effect of missense changes on protein structure and function are either unavailable or do not agree on the potential impact of this missense change. Based on the frequency of the less prevalent component variant, the variant allele was found at a frequency not to exceed 1.2e-05 in 251364 control chromosomes. The available data on variant occurrences in the general population are insufficient to allow any conclusion about variant significance. c.680_681delinsGG has been reported as a presumably compound heterozygous genotype in at-least one individual affected with type 2 Gaucher disease (e.g. Kang_2018). It has also been reported with other variants in GBA among individuals with unspecified phase information (Istaiti_2021, Nalls_2013), as well as in individuals with Parkinson disease (Di Fonzo_2023, Zhou_2023). Three different variants affecting the same codon have been classified as pathogenic by our lab (c.680A>G: p.Asn227Ser, c.680A>T: p.Asn227Ile, c.681T>G: p.Asn227Lys), supporting the critical relevance of codon 227 to GBA1 protein function. To our knowledge, no experimental evidence demonstrating an impact on protein function has been reported. The following publications have been ascertained in the context of this evaluation (PMID: 19433657, 34134921, 33606887, 29934114, 23588557, 37750340, 37658046). ClinVar contains an entry for this variant (Variation ID: 167132). Based on the evidence outlined above, the variant was classified as VUS-possibly pathogenic.

Labcorp Genetics (formerly Invitae), Labcorp
Classification: Uncertain significance. Last evaluated: 2022-05-04. Review status: criteria provided, single submitter. Criteria: Invitae Variant Classification Sherloc (09022015). Collection method: clinical testing. Allele origin: germline.
Comment: Algorithms developed to predict the effect of missense changes on protein structure and function are either unavailable or do not agree on the potential impact of this missense change (SIFT: "Not Available"; PolyPhen-2: "Benign"; Align-GVGD: "Not Available"). This variant disrupts the p.Asn227 amino acid residue in GBA. Other variant(s) that disrupt this residue have been determined to be pathogenic (PMID: 8829654, 21056933, 22387070, 26709268). This suggests that this residue is clinically significant, and that variants that disrupt this residue are likely to be disease-causing. In summary, the available evidence is currently insufficient to determine the role of this variant in disease. Therefore, it has been classified as a Variant of Uncertain Significance. This variant, c.680_681delinsGG, is a complex sequence change that results in the deletion of 1 and insertion of 1 amino acid(s) in the GBA protein (p.Asn227Arg). ClinVar contains an entry for this variant (Variation ID: 167132). The frequency data for this variant in the population databases is considered unreliable, as metrics indicate poor data quality at this position in the gnomAD database. This variant has been observed in individual(s) with Gaucher disease (PMID: 29934114).

Mayo Clinic Laboratories, Mayo Clinic
Classification: Likely pathogenic. Last evaluated: 2021-11-29. Review status: criteria provided, single submitter. Criteria: ACMG Guidelines, 2015. Collection method: clinical testing. Allele origin: germline.
Comment: PP4, PM1, PM2, PM5

Eurofins Ntd Llc (ga)
Classification: Likely pathogenic. Last evaluated: 2014-04-02. Review status: criteria provided, single submitter. Criteria: EGL Classification Definitions. Collection method: clinical testing. Allele origin: germline. Observed: 1 variant allele, 1 heterozygote.

Literature cited by the submitters: PubMed 23588557 (cited by Women's Health and Genetics/Laboratory Corporation of America, LabCorp); PubMed 19433657 (cited by Women's Health and Genetics/Laboratory Corporation of America, LabCorp and Mayo Clinic Laboratories, Mayo Clinic); PubMed 29934114 (cited by 3 submitters); PubMed 34134921 (cited by Women's Health and Genetics/Laboratory Corporation of America, LabCorp); PubMed 33606887 (cited by Women's Health and Genetics/Laboratory Corporation of America, LabCorp); PubMed 37658046 (cited by Women's Health and Genetics/Laboratory Corporation of America, LabCorp); PubMed 37750340 (cited by Women's Health and Genetics/Laboratory Corporation of America, LabCorp); PubMed 8829654 (cited by Labcorp Genetics (formerly Invitae), Labcorp); PubMed 21056933 (cited by Labcorp Genetics (formerly Invitae), Labcorp); PubMed 22387070 (cited by Labcorp Genetics (formerly Invitae), Labcorp); PubMed 26709268 (cited by Labcorp Genetics (formerly Invitae), Labcorp); PubMed 11241841 (cited by Mayo Clinic Laboratories, Mayo Clinic); PubMed 18338393 (cited by Mayo Clinic Laboratories, Mayo Clinic); PubMed 19433656 (cited by Mayo Clinic Laboratories, Mayo Clinic); PubMed 29124790 (cited by Mayo Clinic Laboratories, Mayo Clinic).